The following is an entry in ClinVar:

NM_133379.5(TTN):c.14744G>A (p.Arg4915His)

Genes: TTN (titin; minus strand), LOC126806432 (CDK7 strongly-dependent group 2 enhancer GRCh37_chr2:179611985-179613184; plus strand). Cytogenetic location: 2q31.2.
Variant type: single nucleotide variant.
Coding change: c.14744G>A on transcript NM_133379.5; coding-DNA position 14744, G replaced by A.
Protein change: p.Arg4915His; replaces arginine 4915 with histidine.
Molecular consequence: missense variant. On other transcripts: intron variant (6).
Genome position (GRCh38, 1-based): chr2:178,747,656, C>T on the plus strand (G>A on the coding strand, the complement: TTN is on the minus strand). VCF-style: chr2-178747656-C-T. GRCh37 (hg19) VCF-style: chr2-179612383-C-T.
Other names: p.R4915H:CGT>CAT; c.10360+5468G>A (NM_133378.4, NM_001256850.1); c.10222+5468G>A (NM_003319.4); c.10798+5468G>A (NM_133437.4); c.10597+5468G>A (NM_133432.3); c.11311+5468G>A (NM_001267550.2); short protein forms R4915H.
Identifiers: ClinVar variation 47775 (VCV000047775.12), dbSNP rs72648907, ClinGen allele CA284479.
Genomic context (GRCh38, chr2:178,747,656, plus strand): 5'-ATTGATTCACTCTGGACAAGCTTTGCCTGGTCTCTGGTGTCTTTAGTTTCAGGAACCTCA[C>T]GCTTTCCAGCAGCAAGTAAATATTGTGTTAGGGAGGTCTCAGATTCTGCTGCCTCAGTGG-3'

ClinVar aggregate classification (germline): Benign. Review status: criteria provided, multiple submitters, no conflicts (2 of 4 stars). 8 submissions from 8 submitters: Benign (5). 3 of the submissions do not count toward it. Last evaluated 2024-11-26.

Allele frequency attached by ClinVar (database versions not stated): gnomAD exomes 0.03496; ExAC 0.03594; ESP Exome Variant Server 0.04237; 1000 Genomes Project 0.01458; 1000 Genomes Project 30x 0.01468; TOPMed 0.03302; gnomAD 0.03447.
gnomAD v4.1: 78,137 of 1,613,178 alleles (4.8%); highest among the groups gnomAD compares: Non-Finnish European, 5.9%; 2,243 homozygotes.

Submissions (8):

Blueprint Genetics
Classification: Benign. Last evaluated: 2024-11-26. Review status: criteria provided, single submitter. Criteria: ACMG Guidelines, 2015. Collection method: clinical testing. Allele origin: germline.

GeneDx
Classification: Benign. Last evaluated: 2013-11-20. Review status: criteria provided, single submitter. Criteria: GeneDx Variant Classification (06012015). Collection method: clinical testing. Allele origin: germline. Affected: yes.
Comment: This variant is considered likely benign or benign based on one or more of the following criteria: it is a conservative change, it occurs at a poorly conserved position in the protein, it is predicted to be benign by multiple in silico algorithms, and/or has population frequency not consistent with disease.

Biesecker Lab/Clinical Genomics Section, National Institutes of Health
Classification: Benign. Last evaluated: 2013-06-24. Review status: criteria provided, single submitter. Criteria: Ng et al. (Circ Cardiovasc Genet. 2013). Collection method: research. Allele origin: unknown. Observed: 57 variant alleles. Study: ClinSeq.
Comment: The study set was not selected for affection status in relation to any cancer. Pathogenicity categories were based on literature curation. See Pubmed ID:23861362 for details.

Medical sequencing

Laboratory for Molecular Medicine, Mass General Brigham Personalized Medicine
Classification: Benign. Last evaluated: 2011-09-16. Review status: criteria provided, single submitter. Criteria: LMM Criteria. Collection method: clinical testing. Allele origin: germline. Observed: 142 variant alleles.

Breakthrough Genomics
Classification: Benign. Review status: criteria provided, single submitter. Criteria: ACMG Guidelines, 2015. Collection method: not provided. Allele origin: germline. Inheritance: Autosomal recessive inheritance. Affected: yes.

Clinical Genetics, Academic Medical Center
Classification: Benign. Review status: no assertion criteria provided. Collection method: clinical testing. Allele origin: germline. Affected: yes. Study: VKGL Data-share Consensus. Not counted in ClinVar's aggregate classification.

Joint Genome Diagnostic Labs from Nijmegen and Maastricht, Radboudumc and MUMC+
Classification: Benign. Review status: no assertion criteria provided. Collection method: clinical testing. Allele origin: germline. Affected: yes. Study: VKGL Data-share Consensus. Not counted in ClinVar's aggregate classification.

Laboratory of Diagnostic Genome Analysis, Leiden University Medical Center (LUMC)
Classification: Benign. Review status: no assertion criteria provided. Collection method: clinical testing. Allele origin: germline. Affected: yes. Study: VKGL Data-share Consensus. Not counted in ClinVar's aggregate classification.